The following is an entry in ClinVar:

ClinVar aggregate classification (germline): Likely benign. Review status: criteria provided, single submitter (1 of 4 stars). 2 submissions from 2 submitters: Likely benign (1). 1 of the submissions does not count toward it. Last evaluated 2026-01-17.

Conditions:
FSCN2-related disorder. Also called: FSCN2-related condition.

Allele frequency attached by ClinVar (database versions not stated): gnomAD exomes 0.00005; gnomAD 0.00006; TOPMed 0.00007; ExAC 0.00011.
gnomAD v4.1: 40 of 1,560,410 alleles (0.0026%); highest among the groups gnomAD compares: African/African-American, 0.02%; no homozygotes.

Submissions (2):

Labcorp Genetics (formerly Invitae), Labcorp
Classification: Likely benign. Last evaluated: 2026-01-17. Review status: criteria provided, single submitter. Criteria: Invitae Variant Classification Sherloc (09022015). Collection method: clinical testing. Allele origin: germline.

PreventionGenetics, part of Exact Sciences
Classification: Likely benign for FSCN2-related condition. Last evaluated: 2024-06-26. Review status: no assertion criteria provided. Collection method: clinical testing. Allele origin: germline. Not counted in ClinVar's aggregate classification.
Comment: This variant is classified as likely benign based on ACMG/AMP sequence variant interpretation guidelines (Richards et al. 2015 PMID: 25741868, with internal and published modifications).

NM_012418.4(FSCN2):c.282G>A (p.Pro94=)

Gene: FSCN2 (fascin actin-bundling protein 2, retinal; plus strand). Cytogenetic location: 17q25.3.
Variant type: single nucleotide variant.
Coding change: c.282G>A on transcript NM_012418.4 (MANE Select); coding-DNA position 282, G replaced by A.
Protein change: p.Pro94=; no amino-acid change (proline 94 retained).
Molecular consequence: synonymous variant.
Genome position (GRCh38, 1-based): chr17:81,528,813, G>A. VCF-style: chr17-81528813-G-A. GRCh37 (hg19) VCF-style: chr17-79495839-G-A.
Other names: c.282G>A (NM_001077182.2); c.282G>A, p.Pro94= (NM_001077182.3).
Identifiers: ClinVar variation 1097006 (VCV001097006.10), dbSNP rs782112521, ClinGen allele CA8836632.